The following is an entry in ClinVar:

ClinVar aggregate classification (germline): Uncertain significance (1 of 4 stars; one submission).

Submission:

Ambry Genetics
Classification: Uncertain significance. Last evaluated: 2023-06-21. Review status: criteria provided, single submitter. Criteria: Ambry Variant Classification Scheme 2023. Collection method: clinical testing. Allele origin: germline.
Comment: The p.A229T variant (also known as c.685G>A), located in coding exon 1 of the EGLN2 gene, results from a G to A substitution at nucleotide position 685. The alanine at codon 229 is replaced by threonine, an amino acid with similar properties. This amino acid position is conserved. In addition, this alteration is predicted to be tolerated by in silico analysis. Since supporting evidence is limited at this time, the clinical significance of this alteration remains unclear.

NM_080732.4(EGLN2):c.685G>A (p.Ala229Thr)

Genes: EGLN2 (egl-9 family hypoxia inducible factor 2; plus strand), RAB4B-EGLN2 (RAB4B-EGLN2 readthrough (NMD candidate); plus strand). Cytogenetic location: 19q13.2.
Variant type: single nucleotide variant.
Coding change: c.685G>A on transcript NM_080732.4 (MANE Select); coding-DNA position 685, G replaced by A.
Protein change: p.Ala229Thr; replaces alanine 229 with threonine.
Molecular consequence: missense variant. On other transcripts: non-coding transcript variant (1).
Genome position (GRCh38, 1-based): chr19:40,801,257, G>A. VCF-style: chr19-40801257-G-A. GRCh37 (hg19) VCF-style: chr19-41307162-G-A.
Other names: c.685G>A, p.Ala229Thr (NM_053046.4); short protein forms A229T.
Identifiers: ClinVar variation 2626064 (VCV002626064.2), dbSNP rs2515995173, ClinGen allele CA405955769.
Genomic context (GRCh38, chr19:40,801,257, plus strand): 5'-GAGGTGGAGGCCCTCAAACGGGGTGGGCGCCTGCGAGACGGGCAGCTAGTGAGCCAGAGG[G>A]CGATCCCGCCGCGCAGCATCCGTGGGGACCAGATTGCCTGGGTGGAAGGCCATGAACCAG-3'
Protein context (NP_542770.2, residues 219-239): LRDGQLVSQR[Ala229Thr]IPPRSIRGDQ